The following is an entry in ClinVar:

NM_001164508.2(NEB):c.10188G>A (p.Trp3396Ter)

Gene: NEB (nebulin; minus strand). Cytogenetic location: 2q23.3.
Variant type: single nucleotide variant.
Coding change: c.10188G>A on transcript NM_001164508.2 (MANE Select); coding-DNA position 10188, G replaced by A.
Protein change: p.Trp3396Ter; replaces tryptophan 3396 with a stop codon.
Molecular consequence: nonsense.
Genome position (GRCh38, 1-based): chr2:151,627,161, C>T on the plus strand (G>A on the coding strand, the complement: NEB is on the minus strand). VCF-style: chr2-151627161-C-T. GRCh37 (hg19) VCF-style: chr2-152483675-C-T.
Other names: c.10188G>A, p.Trp3396Ter (NM_001164507.2, NM_001271208.2); c.9459G>A, p.Trp3153Ter (NM_004543.5); short protein forms W3153*, W3396*.
Identifiers: ClinVar variation 5013851 (VCV005013851.1).

ClinVar aggregate classification (germline): Pathogenic (1 of 4 stars; one submission).

Conditions:
Nemaline myopathy 2 (NEM2). Also called: Nemaline myopathy 2, autosomal recessive. Identifiers: MedGen C1850569, MONDO:0009725, OMIM 256030.

Submission:

Myriad Genetics, Inc.
Classification: Pathogenic for Nemaline myopathy 2. Last evaluated: 2024-12-13. Review status: criteria provided, single submitter. Criteria: Myriad Autosomal Dominant, Autosomal Recessive and X-Linked Classification Criteria (2023). Collection method: clinical testing. Allele origin: unknown.
Comment: NM_001271208.1(NEB):c.10188G>A(W3396*) is expected to be pathogenic in the context of NEB-related nemaline myopathy. This variant is predicted to lead to an abnormal or absent protein product due to the creation of a premature termination codon in NEB, a gene where loss-of-function variants are known to be pathogenic. Please note: this variant was assessed in the context of healthy population screening.